The following is an entry in ClinVar:

ClinVar aggregate classification (germline): not provided (0 of 4 stars; one submission).

gnomAD v4.1: 1 of 1,614,016 alleles (0.000062%); highest among the groups gnomAD compares: East Asian, 0.0022%; no homozygotes.

Submission:

Human Evolutionary Genetics, Institut Pasteur
No classification provided. Review status: no classification provided. Collection method: not provided. Allele origin: germline.
ClinVar note: Converted during submission from untested to not provided.

NM_001384950.1(NLRC5):c.5251A>G (p.Lys1751Glu)

Gene: NLRC5 (NLR family CARD domain containing 5; plus strand). Cytogenetic location: 16q13.
Variant type: single nucleotide variant.
Coding change: c.5251A>G on transcript NM_001384950.1 (MANE Select); coding-DNA position 5251, A replaced by G.
Protein change: p.Lys1751Glu; replaces lysine 1751 with glutamic acid.
Molecular consequence: missense variant. On other transcripts: non-coding transcript variant (8).
Genome position (GRCh38, 1-based): chr16:57,079,559, A>G. VCF-style: chr16-57079559-A-G. GRCh37 (hg19) VCF-style: chr16-57113471-A-G.
Other names: c.5164A>G, p.Lys1722Glu (NM_001330552.2, NM_001384951.1, NM_001384955.1 and 1 more transcripts); c.5248A>G, p.Lys1750Glu (NM_001384952.1, NM_001384953.1); c.5167A>G, p.Lys1723Glu (NM_001384954.1); c.5161A>G, p.Lys1721Glu (NM_001384957.1); c.5077A>G, p.Lys1693Glu (NM_001384958.1); c.5074A>G, p.Lys1692Glu (NM_001384959.1); c.4990A>G, p.Lys1664Glu (NM_001384960.1); c.5251A>G, p.Lys1751Glu (NM_032206.5); short protein forms K1751E, K1722E, K1664E, K1692E, K1693E, K1721E, K1723E, K1750E.
Identifiers: ClinVar variation 103207 (VCV000103207.2), dbSNP rs199476019, ClinGen allele CA230257.